The following is an entry in ClinVar:

NM_001035.3(RYR2):c.7825-114T>C

Gene: RYR2 (ryanodine receptor 2; plus strand). Cytogenetic location: 1q43.
Variant type: single nucleotide variant.
Coding change: c.7825-114T>C on transcript NM_001035.3 (MANE Select); 114 bases into the intron before coding-DNA position 7825, T replaced by C.
Molecular consequence: intron variant.
Genome position (GRCh38, 1-based): chr1:237,654,160, T>C. VCF-style: chr1-237654160-T-C. GRCh37 (hg19) VCF-style: chr1-237817460-T-C.
Identifiers: ClinVar variation 672921 (VCV000672921.2), dbSNP rs115894581, ClinGen allele CA39800998.

ClinVar aggregate classification (germline): Benign. Review status: criteria provided, multiple submitters, no conflicts (2 of 4 stars). 2 submissions from 2 submitters: Benign (2). Last evaluated 2018-06-14.

Allele frequency attached by ClinVar (database versions not stated): gnomAD exomes 0.00364; gnomAD 0.03466 and 0.03726; 1000 Genomes Project 0.03874; TOPMed 0.04055; 1000 Genomes Project 30x 0.04341.
gnomAD v4.1: 9,664 of 1,305,152 alleles (0.74%); highest among the groups gnomAD compares: African/African-American, 12%; 502 homozygotes.

Submissions (2):

GeneDx
Classification: Benign. Last evaluated: 2018-06-14. Review status: criteria provided, single submitter. Criteria: GeneDx Variant Classification (06012015). Collection method: clinical testing. Allele origin: germline. Affected: yes.
Comment: This variant is considered likely benign or benign based on one or more of the following criteria: it is a conservative change, it occurs at a poorly conserved position in the protein, it is predicted to be benign by multiple in silico algorithms, and/or has population frequency not consistent with disease.

Breakthrough Genomics
Classification: Benign. Review status: criteria provided, single submitter. Criteria: ACMG Guidelines, 2015. Collection method: not provided. Allele origin: germline. Inheritance: Autosomal dominant inheritance. Affected: yes.